The following is an entry in ClinVar:

NM_000503.6(EYA1):c.1235_1284dup (p.Asp429fs)

Gene: EYA1 (EYA transcriptional coactivator and phosphatase 1; minus strand). Cytogenetic location: 8q13.3.
Variant type: Duplication.
Coding change: c.1235_1284dup on transcript NM_000503.6 (MANE Select); coding-DNA positions 1235 to 1284, 50 bases duplicated.
Protein change: p.Asp429fs; shifts the reading frame from aspartic acid 429.
Molecular consequence: frameshift variant.
Genome position (GRCh38, 1-based): chr8:71,216,768-71,216,817, 50 bases duplicated; duplicating any 50 consecutive bases within chr8:71,216,768-71,216,819 gives the same sequence; the c. name uses the placement nearest the transcript's 3' end. GRCh37 (hg19): chr8:72,129,005-72,129,054.
Other names: c.1217_1266dup, p.Asp423fs (NM_001288574.2, NM_172059.5); c.869_918dup, p.Asp307fs (NM_001288575.2); c.1322_1371dup, p.Asp458fs (NM_001370333.1); c.1235_1284dup, p.Asp429fs (NM_001370334.1, NM_001370335.1, NM_172058.4); c.1214_1263dup, p.Asp422fs (NM_001370336.1); c.1136_1185dup, p.Asp396fs (NM_001411797.1, NM_172060.4); short protein forms D307fs, D396fs, D422fs, D423fs, D429fs, D458fs.
Identifiers: ClinVar variation 3389478 (VCV003389478.14).

ClinVar aggregate classification (germline): Pathogenic (1 of 4 stars; one submission).

Submission:

CeGaT Center for Human Genetics Tuebingen
Classification: Pathogenic. Last evaluated: 2024-09-01. Review status: criteria provided, single submitter. Criteria: CeGaT Center For Human Genetics Tuebingen Variant Classification Criteria Version 2. Collection method: clinical testing. Allele origin: germline. Affected: yes. Observed: 1 variant allele.
Comment: EYA1: PVS1, PM2, PS4:Supporting